The following is an entry in ClinVar:

ClinVar aggregate classification (germline): Pathogenic (1 of 4 stars; one submission).

Submission:

Labcorp Genetics (formerly Invitae), Labcorp
Classification: Pathogenic. Last evaluated: 2021-11-23. Review status: criteria provided, single submitter. Criteria: Invitae Variant Classification Sherloc (09022015). Collection method: clinical testing. Allele origin: germline.
Comment: This variant has not been reported in the literature in individuals affected with ACAN-related conditions. For these reasons, this variant has been classified as Pathogenic. This variant is not present in population databases (gnomAD no frequency). This sequence change creates a premature translational stop signal (p.Tyr329*) in the ACAN gene. It is expected to result in an absent or disrupted protein product. Loss-of-function variants in ACAN are known to be pathogenic (PMID: 16080123, 24762113).

Literature cited by the submitters: PubMed 16080123; PubMed 24762113.

NM_001369268.1(ACAN):c.987C>G (p.Tyr329Ter)

Gene: ACAN (aggrecan; plus strand). Cytogenetic location: 15q26.1.
Variant type: single nucleotide variant.
Coding change: c.987C>G on transcript NM_001369268.1 (MANE Select); coding-DNA position 987, C replaced by G.
Protein change: p.Tyr329Ter; replaces tyrosine 329 with a stop codon.
Molecular consequence: nonsense.
Genome position (GRCh38, 1-based): chr15:88,843,584, C>G. VCF-style: chr15-88843584-C-G. GRCh37 (hg19) VCF-style: chr15-89386815-C-G.
Other names: c.987C>G, p.Tyr329Ter (NM_001135.4, NM_013227.4); short protein forms Y329*.
Identifiers: ClinVar variation 1451967 (VCV001451967.6), dbSNP rs1896720549, ClinGen allele CA393708022.